The following is an entry in ClinVar:

NM_001083962.2(TCF4):c.1070-73G>A

Gene: TCF4 (transcription factor 4; minus strand). Cytogenetic location: 18q21.2.
Variant type: single nucleotide variant.
Coding change: c.1070-73G>A on transcript NM_001083962.2 (MANE Select); 73 bases into the intron before coding-DNA position 1070, G replaced by A.
Molecular consequence: intron variant.
Genome position (GRCh38, 1-based): chr18:55,257,464, C>T on the plus strand (G>A on the coding strand, the complement: TCF4 is on the minus strand). VCF-style: chr18-55257464-C-T. GRCh37 (hg19) VCF-style: chr18-52924695-C-T.
Other names: c.1376-73G>A (NM_001243226.3); c.995-73G>A (NM_001369584.1, NM_001369576.1, NM_001369585.1 and 3 more transcripts); c.998-76G>A (NM_001369577.1, NM_001369579.1, NM_001369580.1); c.998-73G>A (NM_001369582.1, NM_001243227.2, NM_001369583.1 and 5 more transcripts); c.1001-73G>A (NM_001369586.1); c.1070-73G>A (NM_001369571.1, NM_001369567.1, NM_001369572.1 and 2 more transcripts); c.1088-73G>A (NM_001243228.2); c.1064-76G>A (NM_001243230.2); and 8 more.
Identifiers: ClinVar variation 673242 (VCV000673242.2), dbSNP rs74849864, ClinGen allele CA300816488.

ClinVar aggregate classification (germline): Likely benign. Review status: criteria provided, multiple submitters, no conflicts (2 of 4 stars). 2 submissions from 2 submitters: Likely benign (2). Last evaluated 2018-06-14.

Allele frequency attached by ClinVar (database versions not stated): 1000 Genomes Project 0.01617; 1000 Genomes Project 30x 0.01718; gnomAD 0.03290 and 0.03500; TOPMed 0.03591; gnomAD exomes 0.04035.
gnomAD v4.1: 58,172 of 1,461,964 alleles (4%); highest among the groups gnomAD compares: Non-Finnish European, 4.6%; 1,429 homozygotes.

Submissions (2):

GeneDx
Classification: Likely benign. Last evaluated: 2018-06-14. Review status: criteria provided, single submitter. Criteria: GeneDx Variant Classification (06012015). Collection method: clinical testing. Allele origin: germline. Affected: yes.
Comment: This variant is considered likely benign or benign based on one or more of the following criteria: it is a conservative change, it occurs at a poorly conserved position in the protein, it is predicted to be benign by multiple in silico algorithms, and/or has population frequency not consistent with disease.

Breakthrough Genomics
Classification: Likely benign. Review status: criteria provided, single submitter. Criteria: ACMG Guidelines, 2015. Collection method: not provided. Allele origin: germline. Inheritance: Autosomal dominant inheritance. Affected: yes.